The following is an entry in ClinVar:

NM_000540.3(RYR1):c.9526G>A (p.Gly3176Arg)

Gene: RYR1 (ryanodine receptor 1; plus strand). Cytogenetic location: 19q13.2.
Variant type: single nucleotide variant.
Coding change: c.9526G>A on transcript NM_000540.3 (MANE Select); coding-DNA position 9526, G replaced by A.
Protein change: p.Gly3176Arg; replaces glycine 3176 with arginine.
Molecular consequence: missense variant.
Genome position (GRCh38, 1-based): chr19:38,515,079, G>A. VCF-style: chr19-38515079-G-A. GRCh37 (hg19) VCF-style: chr19-39005719-G-A.
Other names: c.9526G>A, p.Gly3176Arg (NM_001042723.2); short protein forms G3176R.
Identifiers: ClinVar variation 4758694 (VCV004758694.1).

ClinVar aggregate classification (germline): Uncertain significance (1 of 4 stars; one submission).

Conditions:
Malignant hyperthermia, susceptibility to, 1 (MHS1). Also called: RYR1-Related Malignant Hyperthermia Susceptibility; Malignant hyperthermia suceptibility 1; Anesthesia related hyperthermia; Malignant hyperpyrexia; Fulminating hyperpyrexia; Pharmacogenic myopathy. Identifiers: Orphanet 423, MedGen C2930980, MONDO:0007783, OMIM 145600.

gnomAD v4.1: 1 of 1,613,668 alleles (0.000062%); highest among the groups gnomAD compares: Admixed American, 0.0017%; no homozygotes.

Submission:

Color Diagnostics, LLC DBA Color Health
Classification: Uncertain significance for Malignant hyperthermia, susceptibility to, 1. Last evaluated: 2025-06-03. Review status: criteria provided, single submitter. Criteria: ACMG Guidelines, 2015. Collection method: clinical testing. Allele origin: germline.
Comment: This missense variant replaces glycine with arginine at codon 3176 of the RYR1 protein. Computational prediction is inconclusive regarding the impact of this variant on protein structure and function. To our knowledge, functional studies have not been reported for this variant. This variant has not been reported in individuals affected with RYR1-related disorders in the literature. This variant has been identified in 1/251272 chromosomes in the general population by the Genome Aggregation Database (gnomAD). The available evidence is insufficient to determine the role of this variant in disease conclusively. Therefore, this variant is classified as a Variant of Uncertain Significance.